The following is an entry in ClinVar:

NM_001031689.3(PLAA):c.2281C>G (p.Gln761Glu)

Gene: PLAA (phospholipase A2 activating protein; minus strand). Cytogenetic location: 9p21.2.
Variant type: single nucleotide variant.
Coding change: c.2281C>G on transcript NM_001031689.3 (MANE Select); coding-DNA position 2281, C replaced by G.
Protein change: p.Gln761Glu; replaces glutamine 761 with glutamic acid.
Molecular consequence: missense variant.
Genome position (GRCh38, 1-based): chr9:26,905,618, G>C on the plus strand (C>G on the coding strand, the complement: PLAA is on the minus strand). VCF-style: chr9-26905618-G-C. GRCh37 (hg19) VCF-style: chr9-26905616-G-C.
Other names: c.2212C>G, p.Gln738Glu (NM_001321546.2); short protein forms Q738E, Q761E.
Identifiers: ClinVar variation 1307221 (VCV001307221.2), dbSNP rs1384407127, ClinGen allele CA373124976.
Genomic context (GRCh38, chr9:26,905,618, plus strand): 5'-GTTCTGATACTGAGGAATACTTTTTTATTTGAGAATCAACACCTAAAGACTTGGCTAATT[G>C]TACAGCATTTGAATCATCACTGATAAGTGTTCCAAGAGCCACAAGAAGTCTAAAAGTGGC-3'
Protein context (NP_001026859.1, residues 751-771): TLISDDSNAV[Gln761Glu]LAKSLGVDSQ

ClinVar aggregate classification (germline): Uncertain significance (1 of 4 stars; one submission).

Allele frequency attached by ClinVar (database versions not stated): gnomAD 0.00001.
gnomAD v4.1: 3 of 1,613,880 alleles (0.00019%); highest among the groups gnomAD compares: African/African-American, 0.004%; no homozygotes.

Submission:

GeneDx
Classification: Uncertain significance. Last evaluated: 2019-07-24. Review status: criteria provided, single submitter. Criteria: GeneDx Variant Classification Process June 2021. Collection method: clinical testing. Allele origin: germline. Affected: yes.
Comment: In silico analysis, which includes protein predictors and evolutionary conservation, supports that this variant does not alter protein structure/function; Has not been previously published as pathogenic or benign to our knowledge